The following is an entry in ClinVar:

ClinVar aggregate classification (germline): Likely pathogenic (1 of 4 stars; one submission).

Conditions:
Osteogenesis imperfecta, perinatal lethal (OI2). Also called: OSTEOGENESIS IMPERFECTA, TYPE II; Osteogenesis imperfecta type 2; OI, TYPE II; OSTEOGENESIS IMPERFECTA CONGENITA; VROLIK TYPE OF OSTEOGENESIS IMPERFECTA; Osteogenesis imperfecta, dominant perinatal lethal. Identifiers: Orphanet 216804, MedGen C0268358, MONDO:0008147, OMIM 166210.

Submission:

MVZ Praenatalmedizin und Genetik Nuernberg
Classification: Likely pathogenic for Osteogenesis imperfecta, perinatal lethal. Last evaluated: 2026-03-09. Review status: criteria provided, single submitter. Criteria: ACMG Guidelines, 2015. Collection method: clinical testing. Allele origin: de novo. Affected: yes.
Comment: The variant affects a highly conserved glycine and disrupts the Gly-X-Y motif of the triple-helical domain. Additionally, the variant is located at the exon–intron boundary. It is not yet described in the ClinVar database, but other changes affecting the same glycine are already listed as likely pathogenic (p.Gly502Asp; p.Gly502Ser). A literature search did not yield any additional information. Computer-based predictions (in silico) conducted for this purpose have resulted in a pathogenic assessment of the variant. However, no functional analyses are available to date. In summary, based on the current data, we assess this to be a likely pathogenic variant.

NM_000089.4(COL1A2):c.1504G>C (p.Gly502Arg)

Gene: COL1A2 (collagen type I alpha 2 chain; plus strand). Cytogenetic location: 7q21.3.
Variant type: single nucleotide variant.
Coding change: c.1504G>C on transcript NM_000089.4 (MANE Select); coding-DNA position 1504, G replaced by C.
Protein change: p.Gly502Arg; replaces glycine 502 with arginine.
Molecular consequence: missense variant.
Genome position (GRCh38, 1-based): chr7:94,413,083, G>C. VCF-style: chr7-94413083-G-C. GRCh37 (hg19) VCF-style: chr7-94042395-G-C.
Other names: short protein forms G502R.
Identifiers: ClinVar variation 4888428 (VCV004888428.1).